The following is an entry in ClinVar:

ClinVar aggregate classification (germline): Likely benign. Review status: criteria provided, multiple submitters, no conflicts (2 of 4 stars). 3 submissions from 3 submitters: Likely benign (2). 1 of the submissions does not count toward it. Last evaluated 2025-10-06.

Conditions:
Finnish congenital nephrotic syndrome (NPHS1). Also called: NEPHROTIC SYNDROME, TYPE 1. Identifiers: Orphanet 839, MedGen C0403399, MONDO:0009732, OMIM 256300.
NPHS1-related disorder. Also called: NPHS1-related condition.

Allele frequency attached by ClinVar (database versions not stated): ExAC 0.00001; gnomAD exomes 0.00001; gnomAD 0.00002; TOPMed 0.00004.
gnomAD v4.1: 24 of 1,614,028 alleles (0.0015%); highest among the groups gnomAD compares: Middle Eastern, 0.033%; 1 homozygote.

Submissions (3):

Labcorp Genetics (formerly Invitae), Labcorp
Classification: Likely benign. Last evaluated: 2025-10-06. Review status: criteria provided, single submitter. Criteria: Invitae Variant Classification Sherloc (09022015). Collection method: clinical testing. Allele origin: germline.

Fulgent Genetics
Classification: Likely benign for Finnish congenital nephrotic syndrome. Last evaluated: 2022-01-08. Review status: criteria provided, single submitter. Criteria: ACMG Guidelines, 2015. Collection method: clinical testing. Allele origin: unknown.

PreventionGenetics, part of Exact Sciences
Classification: Likely benign for NPHS1-related condition. Last evaluated: 2020-06-23. Review status: no assertion criteria provided. Collection method: clinical testing. Allele origin: germline. Not counted in ClinVar's aggregate classification.
Comment: This variant is classified as likely benign based on ACMG/AMP sequence variant interpretation guidelines (Richards et al. 2015 PMID: 25741868, with internal and published modifications).

NM_004646.4(NPHS1):c.2394G>A (p.Thr798=)

Gene: NPHS1 (NPHS1 adhesion molecule, nephrin; minus strand). Cytogenetic location: 19q13.12.
Variant type: single nucleotide variant.
Coding change: c.2394G>A on transcript NM_004646.4 (MANE Select); coding-DNA position 2394, G replaced by A.
Protein change: p.Thr798=; no amino-acid change (threonine 798 retained).
Molecular consequence: synonymous variant.
Genome position (GRCh38, 1-based): chr19:35,842,491, C>T on the plus strand (G>A on the coding strand, the complement: NPHS1 is on the minus strand). VCF-style: chr19-35842491-C-T. GRCh37 (hg19) VCF-style: chr19-36333393-C-T.
Other names: c.2394G>A (NM_004646.3).
Identifiers: ClinVar variation 1586827 (VCV001586827.11), dbSNP rs745911246, ClinGen allele CA9390145.
Genomic context (GRCh38, chr19:35,842,491, plus strand): 5'-CACAATGCACTGGTAAGCGCCAGCCTGGGCCAGTTTGGCATGGTGAATCCGCAGGCGCCC[C>T]GTTGGTCCCCTGGATATCTTCTCCATGTCATCCAGGCTCTGGTCCTCCTCATCTTCTCCC-3'
Protein context (NP_004637.1, residues 788-808): DDMEKISRGP[Thr798=]GRLRIHHAKL